The following is an entry in ClinVar:

ClinVar aggregate classification (germline): Benign (1 of 4 stars; one submission).

Conditions:
Bilateral microtia-deafness-cleft palate syndrome. Identifiers: Orphanet 140963, MedGen C2676772, MONDO:0012854, OMIM 612290.

Allele frequency attached by ClinVar (database versions not stated): gnomAD 0.00051 and 0.00074; TOPMed 0.00101; gnomAD exomes 0.00118; 1000 Genomes Project 30x 0.00297; 1000 Genomes Project 0.00339.
gnomAD v4.1: 316 of 329,392 alleles (0.096%); highest among the groups gnomAD compares: East Asian, 2.1%; 5 homozygotes.

Submission:

Illumina Laboratory Services, Illumina
Classification: Benign for Bilateral microtia-deafness-cleft palate syndrome. Last evaluated: 2018-01-13. Review status: criteria provided, single submitter. Criteria: ICSL Variant Classification Criteria 13 December 2019. Collection method: clinical testing. Allele origin: germline.
Comment: This variant was observed in the ICSL laboratory as part of a predisposition screen in an ostensibly healthy population. It had not been previously curated by ICSL or reported in the Human Gene Mutation Database (HGMD: prior to June 1st, 2018), and was therefore a candidate for classification through an automated scoring system. Utilizing variant allele frequency, disease prevalence and penetrance estimates, and inheritance mode, an automated score was calculated to assess if this variant is too frequent to cause the disease. Based on the score and internal cut-off values, a variant classified as benign is not then subjected to further curation. The score for this variant resulted in a classification of benign for this disease.

NM_006735.4(HOXA2):c.*316T>C

Gene: HOXA2 (homeobox A2; minus strand). Cytogenetic location: 7p15.2.
Variant type: single nucleotide variant.
Coding change: c.*316T>C on transcript NM_006735.4 (MANE Select); 316 bases downstream of the stop codon, T replaced by C.
Molecular consequence: 3 prime UTR variant.
Genome position (GRCh38, 1-based): chr7:27,100,410, A>G on the plus strand (T>C on the coding strand, the complement: HOXA2 is on the minus strand). VCF-style: chr7-27100410-A-G. GRCh37 (hg19) VCF-style: chr7-27140029-A-G.
Identifiers: ClinVar variation 359973 (VCV000359973.5), dbSNP rs141414600, ClinGen allele CA10623815.